The following is an entry in ClinVar:

NM_206933.4(USH2A):c.13348C>T (p.Pro4450Ser)

Gene: USH2A (usherin; minus strand). Cytogenetic location: 1q41.
Variant type: single nucleotide variant.
Coding change: c.13348C>T on transcript NM_206933.4 (MANE Select); coding-DNA position 13348, C replaced by T.
Protein change: p.Pro4450Ser; replaces proline 4450 with serine.
Molecular consequence: missense variant.
Genome position (GRCh38, 1-based): chr1:215,674,563, G>A on the plus strand (C>T on the coding strand, the complement: USH2A is on the minus strand). VCF-style: chr1-215674563-G-A. GRCh37 (hg19) VCF-style: chr1-215847905-G-A.
Other names: c.13348C>T (NM_206933.3); short protein forms P4450S.
Identifiers: ClinVar variation 866208 (VCV000866208.14), dbSNP rs141696914, ClinGen allele CA1393307.

ClinVar aggregate classification (germline): Conflicting classifications of pathogenicity. Review status: criteria provided, conflicting classifications (1 of 4 stars). 6 submissions from 6 submitters: Pathogenic (1); Likely pathogenic (2); Uncertain significance (3). Last evaluated 2026-01-06.

Conditions:
Retinitis pigmentosa 39 (RP39). Identifiers: Orphanet 791, MedGen C3151138, MONDO:0013436, OMIM 613809.
Usher syndrome type 2A. Also called: USHER SYNDROME, TYPE IIA; RETINAL DISEASE IN USHER SYNDROME TYPE IIA, MODIFIER OF. Identifiers: Orphanet 231178, Orphanet 886, MedGen C1848634, MONDO:0010169, OMIM 276901.
USH2A-related disorder. Also called: USH2A-related condition; USH2A-related disorders. Identifiers: MedGen CN239332.

Allele frequency attached by ClinVar (database versions not stated): gnomAD exomes below 0.00001 and 0.00003; gnomAD 0.00001; TOPMed 0.00001; ExAC 0.00002; 1000 Genomes Project 30x 0.00016; 1000 Genomes Project 0.00020.
gnomAD v4.1: 7 of 1,614,126 alleles (0.00043%); highest among the groups gnomAD compares: Admixed American, 0.012%; no homozygotes.

Submissions (6):

Labcorp Genetics (formerly Invitae), Labcorp
Classification: Pathogenic. Last evaluated: 2026-01-06. Review status: criteria provided, single submitter. Criteria: Invitae Variant Classification Sherloc (09022015). Collection method: clinical testing. Allele origin: germline.
Comment: This sequence change replaces proline, which is neutral and non-polar, with serine, which is neutral and polar, at codon 4450 of the USH2A protein (p.Pro4450Ser). This variant is present in population databases (rs141696914, gnomAD 0.01%). This missense change has been observed in individuals with retinitis pigmentosa (PMID: 31736247; internal data). ClinVar contains an entry for this variant (Variation ID: 866208). Invitae Evidence Modeling of protein sequence and biophysical properties (such as structural, functional, and spatial information, amino acid conservation, physicochemical variation, residue mobility, and thermodynamic stability) indicates that this missense variant is expected to disrupt USH2A protein function with a positive predictive value of 95%. This variant disrupts the p.Pro4450 amino acid residue in USH2A. Other variant(s) that disrupt this residue have been determined to be pathogenic (internal data). This suggests that this residue is clinically significant, and that variants that disrupt this residue are likely to be disease-causing. For these reasons, this variant has been classified as Pathogenic.

PreventionGenetics, part of Exact Sciences
Classification: Uncertain significance for USH2A-related condition. Last evaluated: 2025-09-30. Review status: criteria provided, single submitter. Criteria: ACMG Guidelines, 2015. Collection method: clinical testing. Allele origin: germline.
Comment: The USH2A c.13348C>T variant is predicted to result in the amino acid substitution p.Pro4450Ser. This variant has been reported in an individual with autosomal recessive retinitis pigmentosa (Zenteno et al. 2020. PubMed ID: 31736247). This variant is reported in 0.017% of alleles in individuals of Latino descent in gnomAD. Although we suspect that this variant may be pathogenic, at this time, the clinical significance of this variant is uncertain due to the absence of conclusive functional and genetic evidence.

Revvity Omics, Revvity
Classification: Uncertain significance. Last evaluated: 2025-05-29. Review status: criteria provided, single submitter. Criteria: ACMG Guidelines, 2015. Collection method: clinical testing. Allele origin: germline.

Fulgent Genetics
Classification: Likely pathogenic for Usher syndrome type 2A; Retinitis pigmentosa 39. Last evaluated: 2024-06-14. Review status: criteria provided, single submitter. Criteria: ACMG Guidelines, 2015. Collection method: clinical testing. Allele origin: germline.

Myriad Genetics, Inc.
Classification: Uncertain significance for Usher syndrome type 2A. Last evaluated: 2021-11-16. Review status: criteria provided, single submitter. Criteria: Myriad Women's Health Autosomal Recessive and X-Linked Classification Criteria (2021). Collection method: clinical testing. Allele origin: unknown.
Comment: NM_206933.2(USH2A):c.13348C>T(P4450S) is a missense variant classified as a variant of uncertain significance in the context of USH2A-related disorders. P4450S has been observed in cases with relevant disease (PMID: 31736247). Functional assessments of this variant are not available in the literature. P4450S has been observed in population frequency databases (gnomAD: OTH 0.02%). In summary, there is insufficient evidence to classify NM_206933.2(USH2A):c.13348C>T(P4450S) as pathogenic or benign. Please note: this variant was assessed in the context of healthy population screening.

Blueprint Genetics
Classification: Likely pathogenic for USH2A-related disorders. Last evaluated: 2018-10-19. Review status: criteria provided, single submitter. Criteria: ACMG Guidelines, 2015. Collection method: clinical testing. Allele origin: germline. Affected: yes. Observed: 1 variant allele.

Literature cited by the submitters: PubMed 31736247 (cited by Labcorp Genetics (formerly Invitae), Labcorp and Myriad Genetics, Inc.).